The following is an entry in ClinVar:

NM_000501.4(ELN):c.1358-183G>C

Gene: ELN (elastin; plus strand). Cytogenetic location: 7q11.23.
Variant type: single nucleotide variant.
Coding change: c.1358-183G>C on transcript NM_000501.4 (MANE Select); 183 bases into the intron before coding-DNA position 1358, G replaced by C.
Molecular consequence: intron variant. On other transcripts: missense variant (1).
Genome position (GRCh38, 1-based): chr7:74,057,457, G>C. VCF-style: chr7-74057457-G-C. GRCh37 (hg19) VCF-style: chr7-73471787-G-C.
Other names: c.1433G>C, p.Gly478Ala (NM_001278939.2); c.1373-183G>C (NM_001081754.3); c.1372+744G>C (NM_001081753.3); c.1358-183G>C (NM_001278915.2, NM_001278912.2); c.1357+744G>C (NM_001081755.3); c.1315+744G>C (NM_001278916.2); c.1171+744G>C (NM_001278913.2); c.1342+744G>C (NM_001278914.2); and 3 more; short protein forms G478A.
Identifiers: ClinVar variation 3677379 (VCV003677379.2).
Genomic context (GRCh38, chr7:74,057,457, plus strand): 5'-GAGTGCTGGGTGGGCTAGTGCCAGGTGCCCCAGGCGCAGTCCCAGGTGTGCCGGGCACGG[G>C]AGGAGTGCCAGGTGAGCTGTGTCTCCAGCCCAGAGATGGGTTTGGTTTGTCTCATGGAAG-3'

ClinVar aggregate classification (germline): Uncertain significance (1 of 4 stars; one submission).

Conditions:
Supravalvar aortic stenosis (SVAS). Also called: Supravalvar aortic stenosis, Eisenberg type. Identifiers: Orphanet 3193, MedGen C0003499, MONDO:0008504, OMIM 185500, HP:0004381.

gnomAD v4.1: 1 of 1,548,348 alleles (0.000065%); highest among the groups gnomAD compares: Non-Finnish European, 0.000087%; no homozygotes.

Submission:

Labcorp Genetics (formerly Invitae), Labcorp
Classification: Uncertain significance for Supravalvar aortic stenosis. Last evaluated: 2024-06-26. Review status: criteria provided, single submitter. Criteria: Invitae Variant Classification Sherloc (09022015). Collection method: clinical testing. Allele origin: germline.
Comment: This sequence change replaces glycine, which is neutral and non-polar, with alanine, which is neutral and non-polar, at codon 478 of the ELN protein (p.Gly478Ala). This variant is not present in population databases (gnomAD no frequency). This variant has not been reported in the literature in individuals affected with ELN-related conditions. Advanced modeling of protein sequence and biophysical properties (such as structural, functional, and spatial information, amino acid conservation, physicochemical variation, residue mobility, and thermodynamic stability) performed at Invitae indicates that this missense variant is not expected to disrupt ELN protein function with a negative predictive value of 80%. In summary, the available evidence is currently insufficient to determine the role of this variant in disease. Therefore, it has been classified as a Variant of Uncertain Significance.